The following is an entry in ClinVar:

NC_000005.10:g.112707328A>T

Gene: APC (APC regulator of Wnt signaling pathway; plus strand). Cytogenetic location: 5q22.2.
Variant type: single nucleotide variant.
Genome position: GRCh38 VCF-style: chr5-112707328-A-T. GRCh37 (hg19) VCF-style: chr5-112043025-A-T.
Identifiers: ClinVar variation 2756478 (VCV002756478.3), dbSNP rs2531730040, ClinGen allele CA2697546379.
Genomic context (GRCh38, chr5:112,707,328, plus strand): 5'-GCGGAATAATGGACTAGTGTGTGCAGAAGGATCTATTAACTGGGCTGCAGCACAATTCAG[A>T]GAAGGCCAGTAAGTGCTGCAACTGAGACTCGGCTGCCTAGGCAGCAATGGCTCACGGGAC-3'

ClinVar aggregate classification (germline): Uncertain significance (1 of 4 stars; one submission).

Conditions:
Familial adenomatous polyposis 1 (FAP1). Also called: POLYPOSIS, ADENOMATOUS INTESTINAL; FAMILIAL ADENOMATOUS POLYPOSIS 1, ATTENUATED. Identifiers: MedGen C2713442, MONDO:0021056, OMIM 175100. Disease mechanism: loss of function.

Submission:

Labcorp Genetics (formerly Invitae), Labcorp
Classification: Uncertain significance for Familial adenomatous polyposis 1. Last evaluated: 2026-01-12. Review status: criteria provided, single submitter. Criteria: Invitae Variant Classification Sherloc (09022015). Collection method: clinical testing. Allele origin: germline.
Comment: This variant occurs in a non-coding region of the APC gene. It does not change the encoded amino acid sequence of the APC protein. This variant is not present in population databases (gnomAD no frequency). This variant has not been reported in the literature in individuals affected with APC-related conditions. Experimental studies and prediction algorithms are not available or were not evaluated, and the functional significance of this variant is currently unknown. In summary, the available evidence is currently insufficient to determine the role of this variant in disease. Therefore, it has been classified as a Variant of Uncertain Significance.